The following is an entry in ClinVar:

NM_000875.5(IGF1R):c.1669C>T (p.Pro557Ser)

Gene: IGF1R (insulin like growth factor 1 receptor; plus strand). Cytogenetic location: 15q26.3.
Variant type: single nucleotide variant.
Coding change: c.1669C>T on transcript NM_000875.5 (MANE Select); coding-DNA position 1669, C replaced by T.
Protein change: p.Pro557Ser; replaces proline 557 with serine.
Molecular consequence: missense variant.
Genome position (GRCh38, 1-based): chr15:98,913,123, C>T. VCF-style: chr15-98913123-C-T. GRCh37 (hg19) VCF-style: chr15-99456352-C-T.
Other names: c.1669C>T, p.Pro557Ser (NM_001291858.2); short protein forms P557S.
Identifiers: ClinVar variation 1699681 (VCV001699681.2), dbSNP rs532511373, ClinGen allele CA393678963.

ClinVar aggregate classification (germline): Uncertain significance (1 of 4 stars; one submission).

Allele frequency attached by ClinVar (database versions not stated): TOPMed below 0.00001.

Submission:

GeneDx
Classification: Uncertain significance. Last evaluated: 2022-07-29. Review status: criteria provided, single submitter. Criteria: GeneDx Variant Classification Process June 2021. Collection method: clinical testing. Allele origin: germline. Affected: yes.
Comment: Not observed at significant frequency in large population cohorts (gnomAD); In silico analysis supports that this missense variant has a deleterious effect on protein structure/function; Has not been previously published as pathogenic or benign to our knowledge